The following is an entry in ClinVar:

ClinVar aggregate classification (germline): Benign. Review status: reviewed by expert panel (3 of 4 stars). 16 submissions from 16 submitters: Benign (1). 15 of the submissions do not count toward it. Last evaluated 2017-06-29.

Conditions:
BRCA2-related disorder. Also called: BRCA2-related condition; BRCA2-related disorders. Identifiers: MedGen CN239275.
Breast-ovarian cancer, familial, susceptibility to, 2 (BROVCA2). Also called: BRCA2 Hereditary Breast and Ovarian Cancer. Identifiers: Orphanet 145, MedGen C2675520, MONDO:0012933, OMIM 612555. Disease mechanism: loss of function.
Familial cancer of breast. Also called: Hereditary breast cancer; hereditary breast carcinoma; BREAST CANCER, FAMILIAL. Identifiers: Orphanet 227535, MedGen C0346153, MONDO:0016419, OMIM 114480. Disease mechanism: loss of function.
Hereditary cancer-predisposing syndrome. Also called: Neoplastic Syndromes, Hereditary; Hereditary Cancer Syndrome; Tumor predisposition; Hereditary neoplastic syndrome. Identifiers: Orphanet 140162, MedGen C0027672, MeSH D009386, MONDO:0015356.
Hereditary breast ovarian cancer syndrome. Also called: BRCA1- and BRCA2-Associated Hereditary Breast and Ovarian Cancer; Hereditary breast and ovarian cancer syndrome (HBOC); Hereditary breast and ovarian cancer syndrome; Hereditary breast and ovarian cancer; Hereditary breast and/or ovarian cancer syndrome; Breast and ovarian cancer. Identifiers: Orphanet 145, MedGen C0677776, MeSH D061325, MONDO:0003582. Disease mechanism: loss of function.

Allele frequency attached by ClinVar (database versions not stated): gnomAD 0.00001 and 0.00007; TOPMed 0.00002; ESP Exome Variant Server 0.00008; 1000 Genomes Project 30x 0.00031; 1000 Genomes Project 0.00040.
gnomAD v4.1: 237 of 1,611,744 alleles (0.015%); highest among the groups gnomAD compares: South Asian, 0.22%; 1 homozygote.

Submissions (16):

Evidence-based Network for the Interpretation of Germline Mutant Alleles (ENIGMA)
Classification: Benign for Breast-ovarian cancer, familial, susceptibility to, 2. Last evaluated: 2017-06-29. Review status: reviewed by expert panel. Criteria: ENIGMA BRCA1/2 Classification Criteria (2017-06-29). Collection method: curation. Allele origin: germline.
Comment: Synonymous substitution variant, with low bioinformatic likelihood to alter mRNA splicing (splicing prior 0.02) and frequency 0.0031 (South Asian), derived from ExAC (2014-12-17).

Labcorp Genetics (formerly Invitae), Labcorp
Classification: Benign for Hereditary breast ovarian cancer syndrome. Last evaluated: 2026-01-28. Review status: criteria provided, single submitter. Criteria: Invitae Variant Classification Sherloc (09022015). Collection method: clinical testing. Allele origin: germline. Not counted in ClinVar's aggregate classification.

CeGaT Center for Human Genetics Tuebingen
Classification: Likely benign. Last evaluated: 2025-11-01. Review status: criteria provided, single submitter. Criteria: CeGaT Center For Human Genetics Tuebingen Variant Classification Criteria Version 2. Collection method: clinical testing. Allele origin: germline. Affected: yes. Observed: 2 variant alleles. Not counted in ClinVar's aggregate classification.
Comment: BRCA2: BP4, BP7

Center for Genomic Medicine, Rigshospitalet, Copenhagen University Hospital
Classification: Benign. Last evaluated: 2025-03-04. Review status: criteria provided, single submitter. Criteria: ACMG Guidelines, 2015. Collection method: clinical testing. Allele origin: germline. Not counted in ClinVar's aggregate classification.

Department of Pathology and Laboratory Medicine, Sinai Health System
Classification: Benign for Familial cancer of breast; Breast-ovarian cancer, familial, susceptibility to, 2. Last evaluated: 2024-06-17. Review status: criteria provided, single submitter. Criteria: ACMG Guidelines, 2015. Collection method: clinical testing. Allele origin: germline. Affected: yes. Not counted in ClinVar's aggregate classification.

Blueprint Genetics
Classification: Likely benign. Last evaluated: 2024-03-21. Review status: criteria provided, single submitter. Criteria: ACMG Guidelines, 2015. Collection method: clinical testing. Allele origin: germline. Not counted in ClinVar's aggregate classification.

All of Us Research Program, National Institutes of Health
Classification: Benign for Breast-ovarian cancer, familial, susceptibility to, 2. Last evaluated: 2024-01-11. Review status: criteria provided, single submitter. Criteria: ACMG Guidelines, 2015. Collection method: clinical testing. Allele origin: germline. Inheritance: Autosomal dominant inheritance. Observed: 18 variant alleles, 18 heterozygotes. Not counted in ClinVar's aggregate classification.
Comment: This study involves interpretation of variants in research participants for the purpose of population health screening. Participant phenotype was not available at the time of variant classification. Additional details can be found in publication PMID: 35346344, PMCID: PMC8962531

KCCC/NGS Laboratory, Kuwait Cancer Control Center
Classification: Benign for Breast-ovarian cancer, familial, susceptibility to, 2. Last evaluated: 2023-07-07. Review status: criteria provided, single submitter. Criteria: ACMG Guidelines, 2015. Collection method: clinical testing. Allele origin: germline. Affected: yes. Not counted in ClinVar's aggregate classification.

Quest Diagnostics Nichols Institute San Juan Capistrano
Classification: Benign. Last evaluated: 2022-11-08. Review status: criteria provided, single submitter. Criteria: Quest Diagnostics criteria. Collection method: clinical testing. Allele origin: unknown. Not counted in ClinVar's aggregate classification.

Sema4
Classification: Likely benign for Hereditary cancer-predisposing syndrome. Last evaluated: 2021-04-03. Review status: criteria provided, single submitter. Criteria: Sema4 Curation Guidelines. Collection method: curation. Allele origin: germline. Not counted in ClinVar's aggregate classification.

Women's Health and Genetics/Laboratory Corporation of America, LabCorp
Classification: Likely benign. Last evaluated: 2021-01-15. Review status: criteria provided, single submitter. Criteria: LabCorp Variant Classification Summary - May 2015. Collection method: clinical testing. Allele origin: germline. Not counted in ClinVar's aggregate classification.

Genetic Services Laboratory, University of Chicago
Classification: Likely benign. Last evaluated: 2017-07-18. Review status: criteria provided, single submitter. Criteria: ACMG Guidelines, 2015. Collection method: clinical testing. Allele origin: germline. Affected: no. Not counted in ClinVar's aggregate classification.

Color Diagnostics, LLC DBA Color Health
Classification: Benign for Hereditary cancer-predisposing syndrome. Last evaluated: 2016-12-19. Review status: criteria provided, single submitter. Criteria: ACMG Guidelines, 2015. Collection method: clinical testing. Allele origin: germline. Not counted in ClinVar's aggregate classification.

GeneDx
Classification: Benign. Last evaluated: 2015-04-29. Review status: criteria provided, single submitter. Criteria: GeneDx Variant Classification (06012015). Collection method: clinical testing. Allele origin: germline. Affected: yes. Not counted in ClinVar's aggregate classification.
Comment: This variant is considered likely benign or benign based on one or more of the following criteria: it is a conservative change, it occurs at a poorly conserved position in the protein, it is predicted to be benign by multiple in silico algorithms, and/or has population frequency not consistent with disease.

Ambry Genetics
Classification: Likely benign for Hereditary cancer-predisposing syndrome. Last evaluated: 2015-02-05. Review status: criteria provided, single submitter. Criteria: Ambry Variant Classification Scheme 2023. Collection method: clinical testing. Allele origin: germline. Not counted in ClinVar's aggregate classification.

PreventionGenetics, part of Exact Sciences
Classification: Benign for BRCA2-related condition. Last evaluated: 2021-08-04. Review status: no assertion criteria provided. Collection method: clinical testing. Allele origin: germline. Not counted in ClinVar's aggregate classification.
Comment: This variant is classified as benign based on ACMG/AMP sequence variant interpretation guidelines (Richards et al. 2015 PMID: 25741868, with internal and published modifications).

Literature cited by the submitters: PubMed 15918047 (cited by Quest Diagnostics Nichols Institute San Juan Capistrano and Women's Health and Genetics/Laboratory Corporation of America, LabCorp); PubMed 24312913 (cited by Quest Diagnostics Nichols Institute San Juan Capistrano); PubMed 26109977 (cited by Quest Diagnostics Nichols Institute San Juan Capistrano and Women's Health and Genetics/Laboratory Corporation of America, LabCorp); PubMed 25556971 (cited by Quest Diagnostics Nichols Institute San Juan Capistrano and Women's Health and Genetics/Laboratory Corporation of America, LabCorp); PubMed 18403564 (cited by Quest Diagnostics Nichols Institute San Juan Capistrano and Women's Health and Genetics/Laboratory Corporation of America, LabCorp).

NM_000059.4(BRCA2):c.5529A>C (p.Ala1843=)

Gene: BRCA2 (BRCA2 DNA repair associated; plus strand). Cytogenetic location: 13q13.1.
Variant type: single nucleotide variant.
Coding change: c.5529A>C on transcript NM_000059.4 (MANE Select); coding-DNA position 5529, A replaced by C.
Protein change: p.Ala1843=; no amino-acid change (alanine 1843 retained).
Molecular consequence: synonymous variant.
Genome position (GRCh38, 1-based): chr13:32,339,884, A>C. VCF-style: chr13-32339884-A-C. GRCh37 (hg19) VCF-style: chr13-32914021-A-C.
Identifiers: ClinVar variation 230303 (VCV000230303.54), dbSNP rs372951842, ClinGen allele CA6940882.